The following is an entry in ClinVar:

NM_000540.3(RYR1):c.5608G>C (p.Val1870Leu)

Gene: RYR1 (ryanodine receptor 1; plus strand). Cytogenetic location: 19q13.2.
Variant type: single nucleotide variant.
Coding change: c.5608G>C on transcript NM_000540.3 (MANE Select); coding-DNA position 5608, G replaced by C.
Protein change: p.Val1870Leu; replaces valine 1870 with leucine.
Molecular consequence: missense variant.
Genome position (GRCh38, 1-based): chr19:38,489,237, G>C. VCF-style: chr19-38489237-G-C. GRCh37 (hg19) VCF-style: chr19-38979877-G-C.
Other names: c.5608G>C, p.Val1870Leu (NM_001042723.2); short protein forms V1870L.
Identifiers: ClinVar variation 2070130 (VCV002070130.4), dbSNP rs1027874000, ClinGen allele CA308096494.

ClinVar aggregate classification (germline): Uncertain significance. Review status: criteria provided, multiple submitters, no conflicts (2 of 4 stars). 4 submissions from 4 submitters: Uncertain significance (4). Last evaluated 2025-07-28.

Conditions:
RYR1-related disorder. Also called: RYR1-related disorders; RYR1-related condition. Identifiers: MedGen CN239331.
Malignant hyperthermia, susceptibility to, 1 (MHS1). Also called: RYR1-Related Malignant Hyperthermia Susceptibility; Anesthesia related hyperthermia; Malignant hyperpyrexia; Fulminating hyperpyrexia; Pharmacogenic myopathy; Malignant hyperthermia suceptibility 1. Identifiers: Orphanet 423, MedGen C2930980, MONDO:0007783, OMIM 145600.

Allele frequency attached by ClinVar (database versions not stated): gnomAD 0.00003; TOPMed 0.00004.
gnomAD v4.1: 35 of 1,613,734 alleles (0.0022%); highest among the groups gnomAD compares: Admixed American, 0.01%; no homozygotes.

Submissions (4):

Color Diagnostics, LLC DBA Color Health
Classification: Uncertain significance for Malignant hyperthermia, susceptibility to, 1. Last evaluated: 2025-07-28. Review status: criteria provided, single submitter. Criteria: ACMG Guidelines, 2015. Collection method: clinical testing. Allele origin: germline.
Comment: This missense variant replaces valine with leucine at codon 1870 of the RYR1 protein. Computational prediction suggests that this variant may not impact protein structure and function. To our knowledge, functional studies have not been reported for this variant. This variant has not been reported in individuals affected with RYR1-related disorders in the literature. This variant has been identified in 7/280192 chromosomes in the general population by the Genome Aggregation Database (gnomAD). The available evidence is insufficient to determine the role of this variant in disease conclusively. Therefore, this variant is classified as a Variant of Uncertain Significance.

PreventionGenetics, part of Exact Sciences
Classification: Uncertain significance for RYR1-related condition. Last evaluated: 2024-12-11. Review status: criteria provided, single submitter. Criteria: ACMG Guidelines, 2015. Collection method: clinical testing. Allele origin: germline.
Comment: The RYR1 c.5608G>C variant is predicted to result in the amino acid substitution p.Val1870Leu. To our knowledge, this variant has not been reported in the literature. This variant is reported in 0.011% of alleles in individuals of Latino descent in gnomAD. At this time, the clinical significance of this variant is uncertain due to the absence of conclusive functional and genetic evidence.

Revvity Omics, Revvity
Classification: Uncertain significance. Last evaluated: 2024-03-14. Review status: criteria provided, single submitter. Criteria: ACMG Guidelines, 2015. Collection method: clinical testing. Allele origin: germline.

Labcorp Genetics (formerly Invitae), Labcorp
Classification: Uncertain significance for RYR1-related disorder. Last evaluated: 2022-09-14. Review status: criteria provided, single submitter. Criteria: Invitae Variant Classification Sherloc (09022015). Collection method: clinical testing. Allele origin: germline.
Comment: This sequence change replaces valine, which is neutral and non-polar, with leucine, which is neutral and non-polar, at codon 1870 of the RYR1 protein (p.Val1870Leu). This variant is present in population databases (no rsID available, gnomAD 0.01%). This variant has not been reported in the literature in individuals affected with RYR1-related conditions. Advanced modeling of protein sequence and biophysical properties (such as structural, functional, and spatial information, amino acid conservation, physicochemical variation, residue mobility, and thermodynamic stability) performed at Invitae indicates that this missense variant is not expected to disrupt RYR1 protein function. In summary, the available evidence is currently insufficient to determine the role of this variant in disease. Therefore, it has been classified as a Variant of Uncertain Significance.